The following is an entry in ClinVar:

NM_001042472.3(ABHD12):c.607T>A (p.Phe203Ile)

Gene: ABHD12 (abhydrolase domain containing 12, lysophospholipase; minus strand). Cytogenetic location: 20p11.21.
Variant type: single nucleotide variant.
Coding change: c.607T>A on transcript NM_001042472.3 (MANE Select); coding-DNA position 607, T replaced by A.
Protein change: p.Phe203Ile; replaces phenylalanine 203 with isoleucine.
Molecular consequence: missense variant.
Genome position (GRCh38, 1-based): chr20:25,314,937, A>T on the plus strand (T>A on the coding strand, the complement: ABHD12 is on the minus strand). VCF-style: chr20-25314937-A-T. GRCh37 (hg19) VCF-style: chr20-25295573-A-T.
Other names: c.607T>A, p.Phe203Ile (NM_015600.5); short protein forms F203I.
Identifiers: ClinVar variation 960156 (VCV000960156.12), dbSNP rs186646446, ClinGen allele CA9796073.
Genomic context (GRCh38, chr20:25,314,937, plus strand): 5'-AGCAAGCAGTGGAATTGTGCTCAGATGCTCTTGCAAAAGAAATCTCACCTCTGTAGTCAA[A>T]GGTGACCACATGGTAACCAAGGGAACTCAGCACCTGTAAAGTGAAAAATAAACATCTTTG-3'
Protein context (NP_001035937.1, residues 193-213): LSSLGYHVVT[Phe203Ile]DYRGWGDSVG

ClinVar aggregate classification (germline): Uncertain significance. Review status: criteria provided, multiple submitters, no conflicts (2 of 4 stars). 4 submissions from 4 submitters: Uncertain significance (4). Last evaluated 2025-12-31.

Conditions:
Inborn genetic diseases. Identifiers: MedGen C0950123, MeSH D030342.

Allele frequency attached by ClinVar (database versions not stated): gnomAD 0.00002 and 0.00003; TOPMed 0.00005; 1000 Genomes Project 0.00020; gnomAD exomes 0.00005 and 0.00012; ExAC 0.00010; 1000 Genomes Project 30x 0.00031.
gnomAD v4.1: 35 of 1,614,230 alleles (0.0022%); highest among the groups gnomAD compares: Admixed American, 0.058%; no homozygotes.

Submissions (4):

GeneDx
Classification: Uncertain significance. Last evaluated: 2025-12-31. Review status: criteria provided, single submitter. Criteria: GeneDx Variant Classification Process June 2021. Collection method: clinical testing. Allele origin: germline. Affected: yes.
Comment: In silico analysis indicates that this missense variant does not alter protein structure/function; Has not been previously published as pathogenic or benign to our knowledge

Ambry Genetics
Classification: Uncertain significance for Inborn genetic diseases. Last evaluated: 2025-10-29. Review status: criteria provided, single submitter. Criteria: Ambry Variant Classification Scheme 2023. Collection method: clinical testing. Allele origin: germline.

Labcorp Genetics (formerly Invitae), Labcorp
Classification: Uncertain significance. Last evaluated: 2025-01-06. Review status: criteria provided, single submitter. Criteria: Invitae Variant Classification Sherloc (09022015). Collection method: clinical testing. Allele origin: germline.
Comment: This sequence change replaces phenylalanine, which is neutral and non-polar, with isoleucine, which is neutral and non-polar, at codon 203 of the ABHD12 protein (p.Phe203Ile). This variant is present in population databases (rs186646446, gnomAD 0.09%). This variant has not been reported in the literature in individuals affected with ABHD12-related conditions. ClinVar contains an entry for this variant (Variation ID: 960156). Invitae Evidence Modeling of protein sequence and biophysical properties (such as structural, functional, and spatial information, amino acid conservation, physicochemical variation, residue mobility, and thermodynamic stability) indicates that this missense variant is not expected to disrupt ABHD12 protein function with a negative predictive value of 80%. In summary, the available evidence is currently insufficient to determine the role of this variant in disease. Therefore, it has been classified as a Variant of Uncertain Significance.

Blueprint Genetics
Classification: Uncertain significance. Last evaluated: 2022-08-18. Review status: criteria provided, single submitter. Criteria: ACMG Guidelines, 2015. Collection method: clinical testing. Allele origin: germline.